The following is an entry in ClinVar:

NM_020297.4(ABCC9):c.4407T>G (p.Ile1469Met)

Genes: ABCC9 (ATP binding cassette subfamily C member 9; minus strand), KCNJ8-AS1 (KCNJ8 antisense RNA 1; plus strand). Cytogenetic location: 12p12.1.
Variant type: single nucleotide variant.
Coding change: c.4407T>G on transcript NM_020297.4 (MANE Select); coding-DNA position 4407, T replaced by G.
Protein change: p.Ile1469Met; replaces isoleucine 1469 with methionine.
Molecular consequence: missense variant.
Genome position (GRCh38, 1-based): chr12:21,807,388, A>C on the plus strand (T>G on the coding strand, the complement: ABCC9 is on the minus strand). VCF-style: chr12-21807388-A-C. GRCh37 (hg19) VCF-style: chr12-21960322-A-C.
Other names: c.4407T>G, p.Ile1469Met (NM_001377273.1, NM_005691.4); c.3540T>G, p.Ile1180Met (NM_001377274.1); short protein forms I1469M, I1180M.
Identifiers: ClinVar variation 384013 (VCV000384013.2), dbSNP rs1057521820, ClinGen allele CA16607190.
Genomic context (GRCh38, chr12:21,807,388, plus strand): 5'-CTTAGATAATGCACTCACTGTGGCCATGTCAATGGAAGCTGTTGCCTCATCCATAATAAG[A>C]ATGCTGCTTTTGCGGACAAAGGCCCTGGCAAGGCAAAATAGCTGTCTCTGTCCAACGCTA-3'
Protein context (NP_064693.2, residues 1459-1479): LARAFVRKSS[Ile1469Met]LIMDEATASI

ClinVar aggregate classification (germline): Likely pathogenic (1 of 4 stars; one submission).

Submission:

GeneDx
Classification: Likely pathogenic. Last evaluated: 2016-02-19. Review status: criteria provided, single submitter. Criteria: GeneDx Variant Classification (06012015). Collection method: clinical testing. Allele origin: germline. Affected: yes.
Comment: The I1469M variant in the ABCC9 gene has not been reported previously as a pathogenic variant, nor as a benign variant, to our knowledge. The I1469M variant was not observed in approximately 6,500 individuals of European and African American ancestry in the NHLBI Exome Sequencing Project, indicating it is not a common benign variant in these populations. The I1469M variant is a conservative amino acid substitution, which is not likely to impact secondary protein structure as these residues share similar properties. This substitution occurs at a position that is conserved across species. In silico analysis predicts this variant is probably damaging to the protein structure/function. The I1469M variant is a strong candidate for a pathogenic variant, however the possibility it may be a rare benign variant cannot be excluded.